The following is an entry in ClinVar:

NM_006493.4(CLN5):c.525del (p.His174_Trp175insTer)

Gene: CLN5 (CLN5 lysosomal BMP synthase; plus strand). Cytogenetic location: 13q22.3.
Variant type: Deletion.
Coding change: c.525del on transcript NM_006493.4 (MANE Select); coding-DNA position 525, one base deleted (G; older notation c.525delG).
Protein change: p.His174_Trp175insTer.
Molecular consequence: nonsense.
Genome position (GRCh38, 1-based): chr13:76,996,087, G deleted; the last of 2 consecutive G bases (chr13:76,996,086-76,996,087); deleting either gives the same sequence. VCF-style (leftmost placement, unchanged base first): chr13-76996085-TG-T. GRCh37 (hg19) VCF-style: chr13-77570220-TG-T.
Other names: c.672del (LRG_692t1); c.525del, p.His174_Trp175insTer (NM_001366624.2).
Identifiers: ClinVar variation 128784 (VCV000128784.32), dbSNP rs587780315, ClinGen allele CA269778.

ClinVar aggregate classification (germline): Pathogenic/Likely pathogenic. Review status: criteria provided, multiple submitters, no conflicts (2 of 4 stars). 9 submissions from 9 submitters: Pathogenic (5); Likely pathogenic (3). 1 of the submissions does not count toward it. Last evaluated 2025-12-17.

Conditions:
Inborn genetic diseases. Identifiers: MedGen C0950123, MeSH D030342.
Neuronal ceroid lipofuscinosis. Also called: Neuronal Ceroid Lipofuscinoses. Identifiers: Orphanet 216, Orphanet 79263, MedGen C0027877, MONDO:0016295. Disease mechanism: loss of function.
CLN5-related disorder. Also called: CLN5-related condition.
Neuronal ceroid lipofuscinosis 5 (CLN5). Also called: Neuronal ceroid lipofuscinosis Finnish variant; NEURONAL CEROID LIPOFUSCINOSIS, LATE INFANTILE, FINNISH VARIANT; CEROID LIPOFUSCINOSIS, NEURONAL, 5, VARIABLE AGE AT ONSET; CLN5-Related Neuronal Ceroid-Lipofuscinosis. Identifiers: Orphanet 168491, Orphanet 228360, MedGen C1850442, MONDO:0009745, OMIM 256731.

Submissions (9):

Natera, Inc.
Classification: Likely pathogenic for Neuronal ceroid lipofuscinosis. Last evaluated: 2025-12-17. Review status: criteria provided, single submitter. Criteria: Natera Variant Classification Schema (03/2026). Collection method: clinical testing. Allele origin: germline.
Comment: The c.672delG variant in CLN5 is a frameshift variant predicted to shift the reading frame and introduce a stop codon. This variant is expected to result in nonsense mediated decay, truncation, or a dysfunctional protein product. This variant is rare in the general population with a frequency below the threshold expected for the associated phenotype(s). Given the available evidence, this variant is classified as Likely Pathogenic.

Labcorp Genetics (formerly Invitae), Labcorp
Classification: Pathogenic for Neuronal ceroid lipofuscinosis. Last evaluated: 2025-12-06. Review status: criteria provided, single submitter. Criteria: Invitae Variant Classification Sherloc (09022015). Collection method: clinical testing. Allele origin: germline.
Comment: This sequence change creates a premature translational stop signal (p.Trp224*) in the CLN5 gene. While this is not anticipated to result in nonsense mediated decay, it is expected to disrupt the last 184 amino acid(s) of the CLN5 protein. This variant is present in population databases (rs778574270, gnomAD 0.003%). This premature translational stop signal has been observed in individual(s) with neuronal ceroid lipofuscinoses (PMID: 20157158, 23374165). ClinVar contains an entry for this variant (Variation ID: 128784). This variant disrupts a region of the CLN5 protein in which other variant(s) (p.Tyr392*) have been determined to be pathogenic (PMID: 9662406; internal data). This suggests that this is a clinically significant region of the protein, and that variants that disrupt it are likely to be disease-causing. For these reasons, this variant has been classified as Pathogenic.

Blueprint Genetics
Classification: Likely pathogenic for CLN5-related disorders. Last evaluated: 2022-11-15. Review status: criteria provided, single submitter. Criteria: ACMG Guidelines, 2015. Collection method: clinical testing. Allele origin: germline. Affected: yes. Observed: 1 variant allele.

Genome-Nilou Lab
Classification: Likely pathogenic for Neuronal ceroid lipofuscinosis 5. Last evaluated: 2021-08-10. Review status: criteria provided, single submitter. Criteria: ACMG Guidelines, 2015. Collection method: clinical testing. Allele origin: germline. Affected: no.

GeneDx
Classification: Pathogenic. Last evaluated: 2019-12-27. Review status: criteria provided, single submitter. Criteria: GeneDx Variant Classification Process June 2021. Collection method: clinical testing. Allele origin: germline. Affected: yes.
Comment: Nonsense variant predicted to cause loss of normal protein function through protein truncation as the last 184 amino acids are lost; Not observed at a significant frequency in large population cohorts (Lek et al., 2016); This variant is associated with the following publications: (PMID: 20157158, 28542837, 23374165)

Baylor Genetics
Classification: Pathogenic for Neuronal ceroid lipofuscinosis 5. Last evaluated: 2018-07-20. Review status: criteria provided, single submitter. Criteria: ACMG Guidelines, 2015. Collection method: clinical testing. Allele origin: maternal. Affected: yes.
Comment: This variant was determined to be pathogenic according to ACMG Guidelines, 2015 [PMID:25741868]. The p.W224* was previously reported in a patient with CLN5 [PMID 20157158, 23374165]

Ambry Genetics
Classification: Pathogenic for Inborn genetic diseases. Last evaluated: 2016-06-24. Review status: criteria provided, single submitter. Criteria: Ambry Variant Classification Scheme 2023. Collection method: clinical testing. Allele origin: germline.
Comment: The c.672delG pathogenic mutation (also known as p.W224*), located in coding exon 3 of the CLN5 gene, results from a deletion of one nucleotide at nucleotide position 672, causing a translational frameshift with a predicted alternate stop codon. A different alteration, resulting in the same alternate stop codon, c.617G>A, was detected in two individuals with neuronal ceroid-lipofuscinoses phenotypes. These individuals each carried one additional CLN5 alteration; however, phase was not determined (Xin W, et al. Neurology 2010; 74(7):565-71). Since frameshifts are typically deleterious in nature, this alteration is interpreted as a disease-causing mutation (ACMG Recommendations for Standards for Interpretation and Reporting of Sequence Variations. Revision 2007. Genet Med. 2008;10:294).

Genetic Services Laboratory, University of Chicago
Classification: Pathogenic for Ceroid lipofuscinosis, neuronal, 5. Last evaluated: 2013-08-27. Review status: criteria provided, single submitter. Criteria: ACMG Guidelines, 2007. Collection method: clinical testing. Allele origin: germline. Inheritance: Autosomal recessive inheritance. Affected: yes.

Counsyl
Classification: Likely pathogenic for Ceroid lipofuscinosis neuronal 5. Last evaluated: 2014-11-20. Review status: no assertion criteria provided. Collection method: literature only. Allele origin: unknown. Inheritance: Autosomal recessive inheritance. Not counted in ClinVar's aggregate classification.

Literature cited by the submitters: PubMed 20157158 (cited by 4 submitters); PubMed 23374165 (cited by 3 submitters); PubMed 9662406 (cited by Labcorp Genetics (formerly Invitae), Labcorp).